The following is an entry in ClinVar:

NM_004991.4(MECOM):c.413A>G (p.Asp138Gly)

Gene: MECOM (MDS1 and EVI1 complex locus; minus strand). Cytogenetic location: 3q26.2.
Variant type: single nucleotide variant.
Coding change: c.413A>G on transcript NM_004991.4 (MANE Select); coding-DNA position 413, A replaced by G.
Protein change: p.Asp138Gly; replaces aspartic acid 138 with glycine.
Molecular consequence: missense variant. On other transcripts: 5 prime UTR variant (12).
Genome position (GRCh38, 1-based): chr3:169,143,795, T>C on the plus strand (A>G on the coding strand, the complement: MECOM is on the minus strand). VCF-style: chr3-169143795-T-C. GRCh37 (hg19) VCF-style: chr3-168861583-T-C.
Other names: c.413A>G, p.Asp138Gly (NM_001366473.2, NM_001366466.2); c.-152A>G (NM_001366474.2, NM_005241.4, NM_001105078.4 and 9 more transcripts); c.41A>G, p.Asp14Gly (NM_001105077.4); short protein forms D138G, D14G.
Identifiers: ClinVar variation 4105729 (VCV004105729.1).

ClinVar aggregate classification (germline): Uncertain significance (1 of 4 stars; one submission).

Conditions:
Inborn genetic diseases. Identifiers: MedGen C0950123, MeSH D030342.

gnomAD v4.1: 16 of 1,611,508 alleles (0.00099%); highest among the groups gnomAD compares: Non-Finnish European, 0.0014%; no homozygotes.

Submission:

Ambry Genetics
Classification: Uncertain significance for Inborn genetic diseases. Last evaluated: 2025-06-20. Review status: criteria provided, single submitter. Criteria: Ambry Variant Classification Scheme 2023. Collection method: clinical testing. Allele origin: germline.
Comment: The p.D138G variant (also known as c.413A>G), located in coding exon 3 of the MECOM gene, results from an A to G substitution at nucleotide position 413. The aspartic acid at codon 138 is replaced by glycine, an amino acid with similar properties. This amino acid position is conserved. In addition, this alteration is predicted to be tolerated by in silico analysis. Based on the available evidence, the clinical significance of this variant remains unclear.